The following is an entry in ClinVar:

NM_002860.4(ALDH18A1):c.1778G>C (p.Ser593Thr)

Gene: ALDH18A1 (aldehyde dehydrogenase 18 family member A1; minus strand). Cytogenetic location: 10q24.1.
Variant type: single nucleotide variant.
Coding change: c.1778G>C on transcript NM_002860.4 (MANE Select); coding-DNA position 1778, G replaced by C.
Protein change: p.Ser593Thr; replaces serine 593 with threonine.
Molecular consequence: missense variant.
Genome position (GRCh38, 1-based): chr10:95,613,989, C>G on the plus strand (G>C on the coding strand, the complement: ALDH18A1 is on the minus strand). VCF-style: chr10-95613989-C-G. GRCh37 (hg19) VCF-style: chr10-97373746-C-G.
Other names: c.1772G>C, p.Ser591Thr (NM_001017423.2, NM_001323415.2); c.1445G>C, p.Ser482Thr (NM_001323412.2, NM_001323416.2); c.1778G>C, p.Ser593Thr (NM_001323413.2, NM_001323414.2); c.1673G>C, p.Ser558Thr (NM_001323417.2); c.1439G>C, p.Ser480Thr (NM_001323418.2); c.1142G>C, p.Ser381Thr (NM_001323419.2); short protein forms S480T, S558T, S381T, S482T, S593T, S591T.
Identifiers: ClinVar variation 1937078 (VCV001937078.5), dbSNP rs2097840313, ClinGen allele CA377700531.

ClinVar aggregate classification (germline): Uncertain significance (1 of 4 stars; one submission).

Conditions:
Autosomal dominant spastic paraplegia type 9. Identifiers: MedGen C1832669, MONDO:0015091.
de Barsy syndrome. Also called: Cutis laxa-corneal clouding-oligophrenia syndrome. Identifiers: Orphanet 2962, MedGen C0268354, MONDO:0017569.
Cutis laxa, autosomal dominant 3 (ADCL3). Identifiers: Orphanet 90348, MedGen C4225268, MONDO:0014706, OMIM 616603.

gnomAD v4.1: 2 of 1,614,224 alleles (0.00012%); highest among the groups gnomAD compares: Admixed American, 0.0017%; no homozygotes.

Submission:

Labcorp Genetics (formerly Invitae), Labcorp
Classification: Uncertain significance for Autosomal dominant spastic paraplegia type 9; de Barsy syndrome; Cutis laxa, autosomal dominant 3. Last evaluated: 2022-08-15. Review status: criteria provided, single submitter. Criteria: Invitae Variant Classification Sherloc (09022015). Collection method: clinical testing. Allele origin: germline.
Comment: In summary, the available evidence is currently insufficient to determine the role of this variant in disease. Therefore, it has been classified as a Variant of Uncertain Significance. Algorithms developed to predict the effect of missense changes on protein structure and function (SIFT, PolyPhen-2, Align-GVGD) all suggest that this variant is likely to be tolerated. This variant has not been reported in the literature in individuals affected with ALDH18A1-related conditions. This variant is not present in population databases (gnomAD no frequency). This sequence change replaces serine, which is neutral and polar, with threonine, which is neutral and polar, at codon 593 of the ALDH18A1 protein (p.Ser593Thr).